The following is an entry in ClinVar:

ClinVar aggregate classification (germline): Uncertain significance (1 of 4 stars; one submission).

Submission:

GeneDx
Classification: Uncertain significance. Last evaluated: 2025-08-19. Review status: criteria provided, single submitter. Criteria: GeneDx Variant Classification Process June 2021. Collection method: clinical testing. Allele origin: germline. Affected: yes.
Comment: Not observed at significant frequency in large population cohorts (gnomAD); In silico analysis suggests that this missense variant does not alter protein structure/function; Has not been previously published as pathogenic or benign to our knowledge

NM_004429.5(EFNB1):c.461G>C (p.Arg154Pro)

Gene: EFNB1 (ephrin B1; plus strand). Cytogenetic location: Xq13.1.
Variant type: single nucleotide variant.
Coding change: c.461G>C on transcript NM_004429.5 (MANE Select); coding-DNA position 461, G replaced by C.
Protein change: p.Arg154Pro; replaces arginine 154 with proline.
Molecular consequence: missense variant.
Genome position (GRCh38, 1-based): chrX:68,839,718, G>C. VCF-style: chrX-68839718-G-C. GRCh37 (hg19) VCF-style: chrX-68059561-G-C.
Other names: short protein forms R154P.
Identifiers: ClinVar variation 1710646 (VCV001710646.3), dbSNP rs146636295, ClinGen allele CA413438007.